The following is an entry in ClinVar:

ClinVar aggregate classification (germline): Uncertain significance (1 of 4 stars; one submission).

Conditions:
Progressive sclerosing poliodystrophy (MTDPS4A). Also called: ALPERS PROGRESSIVE INFANTILE POLIODYSTROPHY; NEURONAL DEGENERATION OF CHILDHOOD WITH LIVER DISEASE, PROGRESSIVE; Alpers Syndrome; ALPERS DIFFUSE DEGENERATION OF CEREBRAL GRAY MATTER WITH HEPATIC CIRRHOSIS; Alpers-Huttenlocher Syndrome; Mitochondrial DNA depletion syndrome 4A (Alpers type). Identifiers: Orphanet 726, MedGen C0205710, MONDO:0008758, OMIM 203700.

Submission:

Labcorp Genetics (formerly Invitae), Labcorp
Classification: Uncertain significance for Progressive sclerosing poliodystrophy. Last evaluated: 2024-05-28. Review status: criteria provided, single submitter. Criteria: Invitae Variant Classification Sherloc (09022015). Collection method: clinical testing. Allele origin: germline.
Comment: This sequence change replaces tryptophan, which is neutral and slightly polar, with arginine, which is basic and polar, at codon 994 of the POLG protein (p.Trp994Arg). This variant is not present in population databases (gnomAD no frequency). This variant has not been reported in the literature in individuals affected with POLG-related conditions. Algorithms developed to predict the effect of missense changes on protein structure and function output the following: SIFT: "Not Available"; PolyPhen-2: "Benign"; Align-GVGD: "Not Available". The arginine amino acid residue is found in multiple mammalian species, which suggests that this missense change does not adversely affect protein function. In summary, the available evidence is currently insufficient to determine the role of this variant in disease. Therefore, it has been classified as a Variant of Uncertain Significance.

NM_002693.3(POLG):c.2980T>A (p.Trp994Arg)

Gene: POLG (DNA polymerase gamma, catalytic subunit; minus strand). Cytogenetic location: 15q26.1.
Variant type: single nucleotide variant.
Coding change: c.2980T>A on transcript NM_002693.3 (MANE Select); coding-DNA position 2980, T replaced by A.
Protein change: p.Trp994Arg; replaces tryptophan 994 with arginine.
Molecular consequence: missense variant.
Genome position (GRCh38, 1-based): chr15:89,320,767, A>T on the plus strand (T>A on the coding strand, the complement: POLG is on the minus strand). VCF-style: chr15-89320767-A-T. GRCh37 (hg19) VCF-style: chr15-89863998-A-T.
Other names: c.2980T>A, p.Trp994Arg (NM_001126131.2); short protein forms W994R.
Identifiers: ClinVar variation 3654836 (VCV003654836.2).